The following is an entry in ClinVar:

NM_004329.3(BMPR1A):c.1416G>A (p.Glu472=)

Gene: BMPR1A (bone morphogenetic protein receptor type 1A; plus strand). Cytogenetic location: 10q23.2.
Variant type: single nucleotide variant.
Coding change: c.1416G>A on transcript NM_004329.3 (MANE Select); coding-DNA position 1416, G replaced by A.
Protein change: p.Glu472=; no amino-acid change (glutamic acid 472 retained).
Molecular consequence: synonymous variant. On other transcripts: non-coding transcript variant (3).
Genome position (GRCh38, 1-based): chr10:86,923,449, G>A. VCF-style: chr10-86923449-G-A. GRCh37 (hg19) VCF-style: chr10-88683206-G-A.
Other names: c.1491G>A, p.Glu497= (NM_001406559.1); c.1464G>A, p.Glu488= (NM_001406560.1); c.1416G>A, p.Glu472= (NM_001406561.1, NM_001406562.1, NM_001406563.1 and 19 more transcripts); c.1410G>A, p.Glu470= (NM_001406583.1); c.1332G>A, p.Glu444= (NM_001406584.1, NM_001406585.1, NM_001406586.1 and 2 more transcripts); c.1074G>A, p.Glu358= (NM_001406589.1).
Identifiers: ClinVar variation 1994516 (VCV001994516.6), dbSNP rs1410256559, ClinGen allele CA470308589.

ClinVar aggregate classification (germline): Benign/Likely benign. Review status: criteria provided, multiple submitters, no conflicts (2 of 4 stars). 3 submissions from 3 submitters: Benign (1); Likely benign (2). Last evaluated 2025-09-29.

Conditions:
Juvenile polyposis syndrome (JPS). Identifiers: Orphanet 2929, MedGen C0345893, MONDO:0017380, OMIM 174900.
Hereditary cancer-predisposing syndrome. Also called: Hereditary Cancer Syndrome; Neoplastic Syndromes, Hereditary; Hereditary neoplastic syndrome; Tumor predisposition. Identifiers: Orphanet 140162, MedGen C0027672, MeSH D009386, MONDO:0015356.

gnomAD v4.1: 1 of 1,614,228 alleles (0.000062%); highest among the groups gnomAD compares: Non-Finnish European, 0.000085%; no homozygotes.

Submissions (3):

Color Diagnostics, LLC DBA Color Health
Classification: Likely benign for Hereditary cancer-predisposing syndrome. Last evaluated: 2025-09-29. Review status: criteria provided, single submitter. Criteria: ACMG Guidelines, 2015. Collection method: clinical testing. Allele origin: germline.

Myriad Genetics, Inc.
Classification: Benign for Juvenile polyposis syndrome. Last evaluated: 2024-08-08. Review status: criteria provided, single submitter. Criteria: Myriad Autosomal Dominant, Autosomal Recessive and X-Linked Classification Criteria (2023). Collection method: clinical testing. Allele origin: unknown.
Comment: This variant is considered benign. This variant is a silent/synonymous amino acid change and it is not expected to impact splicing.

Labcorp Genetics (formerly Invitae), Labcorp
Classification: Likely benign for Juvenile polyposis syndrome. Last evaluated: 2022-05-14. Review status: criteria provided, single submitter. Criteria: Invitae Variant Classification Sherloc (09022015). Collection method: clinical testing. Allele origin: germline.